The following is an entry in ClinVar:

NM_025114.4(CEP290):c.1065+1G>C

Gene: CEP290 (centrosomal protein 290; minus strand). Cytogenetic location: 12q21.32.
Variant type: single nucleotide variant.
Coding change: c.1065+1G>C on transcript NM_025114.4 (MANE Select); the canonical splice donor site of the intron after coding-DNA position 1065, G replaced by C.
Molecular consequence: splice donor variant.
Genome position (GRCh38, 1-based): chr12:88,126,315, C>G on the plus strand (G>C on the coding strand, the complement: CEP290 is on the minus strand). VCF-style: chr12-88126315-C-G. GRCh37 (hg19) VCF-style: chr12-88520092-C-G.
Identifiers: ClinVar variation 1511949 (VCV001511949.6), dbSNP rs2138021203, ClinGen allele CA385982538.

ClinVar aggregate classification (germline): Likely pathogenic (1 of 4 stars; one submission).

Conditions:
Nephronophthisis. Also called: Juvenile Nephronophthisis. Identifiers: Orphanet 655, MedGen C0687120, MONDO:0019005, HP:0000090.
Meckel-Gruber syndrome. Also called: DYSENCEPHALIA SPLANCHNOCYSTICA; GRUBER SYNDROME; Dysencephalia splachnocystica. Identifiers: Orphanet 564, MedGen C0265215, MONDO:0018921.
Joubert syndrome. Also called: CEREBELLOPARENCHYMAL DISORDER IV; JOUBERT-BOLTSHAUSER SYNDROME; Familial aplasia of the vermis. Identifiers: Orphanet 475, MedGen C5979921, MONDO:0018772.

Submission:

Labcorp Genetics (formerly Invitae), Labcorp
Classification: Likely pathogenic for Joubert syndrome; Meckel-Gruber syndrome; Nephronophthisis. Last evaluated: 2021-07-02. Review status: criteria provided, single submitter. Criteria: Invitae Variant Classification Sherloc (09022015). Collection method: clinical testing. Allele origin: germline.
Comment: This variant is not present in population databases (ExAC no frequency). This variant has not been reported in the literature in individuals affected with CEP290-related conditions. Algorithms developed to predict the effect of sequence changes on RNA splicing suggest that this variant may disrupt the consensus splice site. In summary, the currently available evidence indicates that the variant is pathogenic, but additional data are needed to prove that conclusively. Therefore, this variant has been classified as Likely Pathogenic. This sequence change affects a donor splice site in intron 12 of the CEP290 gene. It is expected to disrupt RNA splicing. Variants that disrupt the donor or acceptor splice site typically lead to a loss of protein function (PMID: 16199547), and loss-of-function variants in CEP290 are known to be pathogenic (PMID: 16909394, 17345604, 20690115).

Literature cited by the submitters: PubMed 16199547; PubMed 16909394; PubMed 17345604; PubMed 20690115.